The following is an entry in ClinVar:

ClinVar aggregate classification (germline): Conflicting classifications of pathogenicity. Review status: criteria provided, conflicting classifications (1 of 4 stars). 3 submissions from 3 submitters: Uncertain significance (1); Likely benign (1). 1 of the submissions does not count toward it. Last evaluated 2023-05-26.

Conditions:
BRIP1-related disorder. Also called: BRIP1-related condition; BRIP1-related disorders. Identifiers: MedGen CN239206.
Hereditary cancer-predisposing syndrome. Also called: Hereditary neoplastic syndrome; Neoplastic Syndromes, Hereditary; Tumor predisposition; Hereditary Cancer Syndrome. Identifiers: Orphanet 140162, MedGen C0027672, MeSH D009386, MONDO:0015356.
Fanconi anemia complementation group J. Also called: BRIP1-Related Fanconi Anemia. Identifiers: Orphanet 84, MedGen C1836860, MONDO:0012187, OMIM 609054.
Familial cancer of breast. Also called: BREAST CANCER, FAMILIAL; Hereditary breast cancer; hereditary breast carcinoma. Identifiers: Orphanet 227535, MedGen C0346153, MONDO:0016419, OMIM 114480. Disease mechanism: loss of function.

Allele frequency attached by ClinVar (database versions not stated): gnomAD exomes below 0.00001; TOPMed 0.00001.
gnomAD v4.1: 1 of 1,614,156 alleles (0.000062%); highest among the groups gnomAD compares: Non-Finnish European, 0.000085%; no homozygotes.

Submissions (3):

Ambry Genetics
Classification: Likely benign for Hereditary cancer-predisposing syndrome. Last evaluated: 2023-05-26. Review status: criteria provided, single submitter. Criteria: Ambry Variant Classification Scheme 2023. Collection method: clinical testing. Allele origin: germline.

Labcorp Genetics (formerly Invitae), Labcorp
Classification: Uncertain significance for Familial cancer of breast; Fanconi anemia complementation group J. Last evaluated: 2021-08-09. Review status: criteria provided, single submitter. Criteria: Invitae Variant Classification Sherloc (09022015). Collection method: clinical testing. Allele origin: germline.
Comment: This variant is not present in population databases (ExAC no frequency). This sequence change replaces serine with proline at codon 1066 of the BRIP1 protein (p.Ser1066Pro). The serine residue is weakly conserved and there is a moderate physicochemical difference between serine and proline. This variant has not been reported in the literature in individuals with BRIP1-related conditions. Algorithms developed to predict the effect of missense changes on protein structure and function output the following: SIFT: "Tolerated"; PolyPhen-2: "Benign"; Align-GVGD: "Class C0". The proline amino acid residue is found in multiple mammalian species, suggesting that this missense change does not adversely affect protein function. These predictions have not been confirmed by published functional studies and their clinical significance is uncertain. In summary, the available evidence is currently insufficient to determine the role of this variant in disease. Therefore, it has been classified as a Variant of Uncertain Significance.

PreventionGenetics, part of Exact Sciences
Classification: Uncertain significance for BRIP1-related condition. Last evaluated: 2024-08-23. Review status: no assertion criteria provided. Collection method: clinical testing. Allele origin: germline. Not counted in ClinVar's aggregate classification.
Comment: The BRIP1 c.3196T>C variant is predicted to result in the amino acid substitution p.Ser1066Pro. To our knowledge, this variant has not been reported in the literature or in a large population database, indicating this variant is rare. To our knowledge, this variant has not been reported in the literature or in a large population database, indicating this variant is rare. However, serine is not conserved at this position in mammals while proline is the predominant residue among the vertebrates; therefore, this change might be tolerated. At this time, the clinical significance of this variant is uncertain due to the absence of conclusive functional and genetic evidence.

NM_032043.3(BRIP1):c.3196T>C (p.Ser1066Pro)

Gene: BRIP1 (BRCA1 interacting DNA helicase 1; minus strand). Cytogenetic location: 17q23.2.
Variant type: single nucleotide variant.
Coding change: c.3196T>C on transcript NM_032043.3 (MANE Select); coding-DNA position 3196, T replaced by C.
Protein change: p.Ser1066Pro; replaces serine 1066 with proline.
Molecular consequence: missense variant.
Genome position (GRCh38, 1-based): chr17:61,683,850, A>G on the plus strand (T>C on the coding strand, the complement: BRIP1 is on the minus strand). VCF-style: chr17-61683850-A-G. GRCh37 (hg19) VCF-style: chr17-59761211-A-G.
Other names: c.3196T>C (NM_032043.2); short protein forms S1066P.
Identifiers: ClinVar variation 1046186 (VCV001046186.11), dbSNP rs1199327421, ClinGen allele CA400479359.